The following is an entry in ClinVar:

ClinVar aggregate classification (germline): Uncertain significance (1 of 4 stars; one submission).

Conditions:
CHD7-related CHARGE syndrome. Identifiers: MedGen CN380413, MONDO:1010178, OMIM 214800.

Submission:

MVZ Medizinische Genetik Mainz
Classification: Uncertain significance for CHD7-related CHARGE syndrome. Last evaluated: 2025-12-22. Review status: criteria provided, single submitter. Criteria: UK Practice Guidelines For Variant Classification V4 01 2020. Collection method: clinical testing. Allele origin: germline. Inheritance: Autosomal dominant inheritance. Affected: yes. Observed: 1 variant allele.
Comment: ACMG Criteria: PM2_SUP,PP3

NM_017780.4(CHD7):c.8076+5G>C

Gene: CHD7 (chromodomain helicase DNA binding protein 7; plus strand). Cytogenetic location: 8q12.2.
Variant type: single nucleotide variant.
Coding change: c.8076+5G>C on transcript NM_017780.4 (MANE Select); 5 bases into the intron after coding-DNA position 8076, G replaced by C.
Molecular consequence: intron variant.
Genome position (GRCh38, 1-based): chr8:60,862,657, G>C. VCF-style: chr8-60862657-G-C. GRCh37 (hg19) VCF-style: chr8-61775216-G-C.
Other names: c.1929+5G>C (NM_001316690.1).
Identifiers: ClinVar variation 4688168 (VCV004688168.1).